The following is an entry in ClinVar:

ClinVar aggregate classification (germline): Likely benign. Review status: criteria provided, multiple submitters, no conflicts (2 of 4 stars). 3 submissions from 3 submitters: Likely benign (2). 1 of the submissions does not count toward it. Last evaluated 2024-07-19.

Conditions:
EYS-related disorder. Also called: EYS-related condition.

gnomAD v4.1: 28 of 1,550,166 alleles (0.0018%); highest among the groups gnomAD compares: African/African-American, 0.027%; no homozygotes.

Submissions (3):

Labcorp Genetics (formerly Invitae), Labcorp
Classification: Likely benign. Last evaluated: 2024-07-19. Review status: criteria provided, single submitter. Criteria: Invitae Variant Classification Sherloc (09022015). Collection method: clinical testing. Allele origin: germline.

Blueprint Genetics
Classification: Likely benign. Last evaluated: 2022-08-31. Review status: criteria provided, single submitter. Criteria: ACMG Guidelines, 2015. Collection method: clinical testing. Allele origin: germline.

PreventionGenetics, part of Exact Sciences
Classification: Likely benign for EYS-related condition. Last evaluated: 2019-07-26. Review status: no assertion criteria provided. Collection method: clinical testing. Allele origin: germline. Not counted in ClinVar's aggregate classification.
Comment: This variant is classified as likely benign based on ACMG/AMP sequence variant interpretation guidelines (Richards et al. 2015 PMID: 25741868, with internal and published modifications).

NM_001142800.2(EYS):c.3657G>T (p.Ser1219=)

Gene: EYS (EGF-like photoreceptor maintenance factor; minus strand). Cytogenetic location: 6q12.
Variant type: single nucleotide variant.
Coding change: c.3657G>T on transcript NM_001142800.2 (MANE Select); coding-DNA position 3657, G replaced by T.
Protein change: p.Ser1219=; no amino-acid change (serine 1219 retained).
Molecular consequence: synonymous variant.
Genome position (GRCh38, 1-based): chr6:64,617,445, C>A on the plus strand (G>T on the coding strand, the complement: EYS is on the minus strand). VCF-style: chr6-64617445-C-A. GRCh37 (hg19) VCF-style: chr6-65327338-C-A.
Other names: c.3657G>T (NM_001142800.1); c.3657G>T, p.Ser1219= (NM_001292009.2).
Identifiers: ClinVar variation 1155350 (VCV001155350.12), dbSNP rs1028539228, ClinGen allele CA140344025.